The following is an entry in ClinVar:

ClinVar aggregate classification (germline): Uncertain significance (1 of 4 stars; one submission).

Conditions:
Familial sleep-related hypermotor epilepsy. Also called: Autosomal Dominant Sleep-Related Hypermotor (Hyperkinetic) Epilepsy. Identifiers: Orphanet 98784, MedGen C3696898, MONDO:0000030.

Allele frequency attached by ClinVar (database versions not stated): TOPMed below 0.00001.

Submission:

Labcorp Genetics (formerly Invitae), Labcorp
Classification: Uncertain significance. Last evaluated: 2023-11-06. Review status: criteria provided, single submitter. Criteria: Invitae Variant Classification Sherloc (09022015). Collection method: clinical testing. Allele origin: germline.
Comment: This sequence change replaces asparagine, which is neutral and polar, with lysine, which is basic and polar, at codon 514 of the CHRNA4 protein (p.Asn514Lys). This variant is not present in population databases (gnomAD no frequency). This variant has not been reported in the literature in individuals affected with CHRNA4-related conditions. Advanced modeling of protein sequence and biophysical properties (such as structural, functional, and spatial information, amino acid conservation, physicochemical variation, residue mobility, and thermodynamic stability) performed at Invitae indicates that this missense variant is not expected to disrupt CHRNA4 protein function with a negative predictive value of 80%. In summary, the available evidence is currently insufficient to determine the role of this variant in disease. Therefore, it has been classified as a Variant of Uncertain Significance.

NM_000744.7(CHRNA4):c.1542C>G (p.Asn514Lys)

Gene: CHRNA4 (cholinergic receptor nicotinic alpha 4 subunit; minus strand). Cytogenetic location: 20q13.33.
Variant type: single nucleotide variant.
Coding change: c.1542C>G on transcript NM_000744.7 (MANE Select); coding-DNA position 1542, C replaced by G.
Protein change: p.Asn514Lys; replaces asparagine 514 with lysine.
Molecular consequence: missense variant. On other transcripts: non-coding transcript variant (1).
Genome position (GRCh38, 1-based): chr20:63,349,869, G>C on the plus strand (C>G on the coding strand, the complement: CHRNA4 is on the minus strand). VCF-style: chr20-63349869-G-C. GRCh37 (hg19) VCF-style: chr20-61981221-G-C.
Other names: c.1014C>G, p.Asn338Lys (NM_001256573.2); short protein forms N514K, N338K.
Identifiers: ClinVar variation 2772196 (VCV002772196.3), dbSNP rs2068556398, ClinGen allele CA409633040.